The following is an entry in ClinVar:

ClinVar aggregate classification (germline): Conflicting classifications of pathogenicity. Review status: criteria provided, conflicting classifications (1 of 4 stars). 3 submissions from 2 submitters: Uncertain significance (2); Benign (1). Last evaluated 2023-07-12.

Conditions:
Inborn genetic diseases. Identifiers: MedGen C0950123, MeSH D030342.
Sacral defect with anterior meningocele. Identifiers: MedGen C1838568, OMIM 600145.
Neural tube defect (NTD). Also called: Neural tube defects. Identifiers: Orphanet 3388, Orphanet 823, MedGen C0027794, MONDO:0018075, HP:0045005.

Allele frequency attached by ClinVar (database versions not stated): gnomAD below 0.00001 and 0.00002; gnomAD exomes 0.00006 and 0.00015; ExAC 0.00014; 1000 Genomes Project 30x 0.00016; 1000 Genomes Project 0.00020.
gnomAD v4.1: 86 of 1,614,224 alleles (0.0053%); highest among the groups gnomAD compares: South Asian, 0.091%; 1 homozygote.

Submissions (3):

Ambry Genetics
Classification: Uncertain significance for Inborn genetic diseases. Last evaluated: 2023-07-12. Review status: criteria provided, single submitter. Criteria: Ambry Variant Classification Scheme 2023. Collection method: clinical testing. Allele origin: germline.

Illumina Laboratory Services, Illumina
Classification: Uncertain significance for Neural tube defects, susceptibility to. Last evaluated: 2018-01-13. Review status: criteria provided, single submitter. Criteria: ICSL Variant Classification Criteria 13 December 2019. Collection method: clinical testing. Allele origin: germline.

Illumina Laboratory Services, Illumina
Classification: Benign for Sacral defect with anterior meningocele. Last evaluated: 2018-01-13. Review status: criteria provided, single submitter. Criteria: ICSL Variant Classification Criteria 13 December 2019. Collection method: clinical testing. Allele origin: germline.
Comment: This variant was observed in the ICSL laboratory as part of a predisposition screen in an ostensibly healthy population. It had not been previously curated by ICSL or reported in the Human Gene Mutation Database (HGMD: prior to June 1st, 2018), and was therefore a candidate for classification through an automated scoring system. Utilizing variant allele frequency, disease prevalence and penetrance estimates, and inheritance mode, an automated score was calculated to assess if this variant is too frequent to cause the disease. Based on the score and internal cut-off values, a variant classified as benign is not then subjected to further curation. The score for this variant resulted in a classification of benign for this disease.

NM_138959.3(VANGL1):c.575T>C (p.Leu192Pro)

Gene: VANGL1 (VANGL planar cell polarity protein 1; plus strand). Cytogenetic location: 1p13.1.
Variant type: single nucleotide variant.
Coding change: c.575T>C on transcript NM_138959.3 (MANE Select); coding-DNA position 575, T replaced by C.
Protein change: p.Leu192Pro; replaces leucine 192 with proline.
Molecular consequence: missense variant.
Genome position (GRCh38, 1-based): chr1:115,664,031, T>C. VCF-style: chr1-115664031-T-C. GRCh37 (hg19) VCF-style: chr1-116206652-T-C.
Other names: c.569T>C, p.Leu190Pro (NM_001172411.2); c.575T>C, p.Leu192Pro (NM_001172412.2); short protein forms L192P, L190P.
Identifiers: ClinVar variation 292007 (VCV000292007.7), dbSNP rs561312836, ClinGen allele CA1023272.